The following is an entry in ClinVar:

NM_003105.6(SORL1):c.6546G>T (p.Gly2182=)

Gene: SORL1 (sortilin related receptor 1; plus strand). Cytogenetic location: 11q24.1.
Variant type: single nucleotide variant.
Coding change: c.6546G>T on transcript NM_003105.6 (MANE Select); coding-DNA position 6546, G replaced by T.
Protein change: p.Gly2182=; no amino-acid change (glycine 2182 retained).
Molecular consequence: synonymous variant.
Genome position (GRCh38, 1-based): chr11:121,627,736, G>T. VCF-style: chr11-121627736-G-T. GRCh37 (hg19) VCF-style: chr11-121498445-G-T.
Identifiers: ClinVar variation 2642479 (VCV002642479.24), dbSNP rs1244779253, ClinGen allele CA477224146.

ClinVar aggregate classification (germline): Likely benign (1 of 4 stars; one submission).

Allele frequency attached by ClinVar (database versions not stated): gnomAD exomes below 0.00001.
gnomAD v4.1: 1 of 1,614,040 alleles (0.000062%); highest among the groups gnomAD compares: Non-Finnish European, 0.000085%; no homozygotes.

Submission:

CeGaT Center for Human Genetics Tuebingen
Classification: Likely benign. Last evaluated: 2022-04-01. Review status: criteria provided, single submitter. Criteria: CeGaT Center For Human Genetics Tuebingen Variant Classification Criteria Version 2. Collection method: clinical testing. Allele origin: germline. Affected: yes. Observed: 1 variant allele.
Comment: SORL1: PM2:Supporting, BP4, BP7